The following is an entry in ClinVar:

NM_016239.4(MYO15A):c.3646C>T (p.Arg1216Cys)

Gene: MYO15A (myosin XVA; plus strand). Cytogenetic location: 17p11.2.
Variant type: single nucleotide variant.
Coding change: c.3646C>T on transcript NM_016239.4 (MANE Select); coding-DNA position 3646, C replaced by T.
Protein change: p.Arg1216Cys; replaces arginine 1216 with cysteine.
Molecular consequence: missense variant.
Genome position (GRCh38, 1-based): chr17:18,124,519, C>T. VCF-style: chr17-18124519-C-T. GRCh37 (hg19) VCF-style: chr17-18027833-C-T.
Other names: short protein forms R1216C.
Identifiers: ClinVar variation 501394 (VCV000501394.12), dbSNP rs547573001, ClinGen allele CA398589082.
Genomic context (GRCh38, chr17:18,124,519, plus strand): 5'-ACACAGCCTCTCTCTCTCACACAGATGCACTCCATCCGCAACCTGCCATCCATGCGGTTC[C>T]GTGAGCAGCACGGGGAGGATGGTGTGGAGGACATGACACAGCTGGAGTGAGTGGGCAGGG-3'
Protein context (NP_057323.3, residues 1206-1226): SIRNLPSMRF[Arg1216Cys]EQHGEDGVED

ClinVar aggregate classification (germline): Uncertain significance. Review status: criteria provided, multiple submitters, no conflicts (2 of 4 stars). 3 submissions from 3 submitters: Uncertain significance (3). Last evaluated 2021-08-20.

Conditions:
Hearing impairment. Also called: Impaired Hearing. Identifiers: MedGen C1384666, MONDO:0005365, HP:0000365.

Allele frequency attached by ClinVar (database versions not stated): gnomAD exomes 0.00001.
gnomAD v4.1: 15 of 1,613,140 alleles (0.00093%); highest among the groups gnomAD compares: Admixed American, 0.0017%; no homozygotes.

Submissions (3):

Labcorp Genetics (formerly Invitae), Labcorp
Classification: Uncertain significance. Last evaluated: 2021-08-20. Review status: criteria provided, single submitter. Criteria: Invitae Variant Classification Sherloc (09022015). Collection method: clinical testing. Allele origin: germline.
Comment: This sequence change replaces arginine with cysteine at codon 1216 of the MYO15A protein (p.Arg1216Cys). The arginine residue is highly conserved and there is a large physicochemical difference between arginine and cysteine. This variant is not present in population databases (ExAC no frequency). This variant has not been reported in the literature in individuals affected with MYO15A-related conditions. ClinVar contains an entry for this variant (Variation ID: 501394). Advanced modeling of protein sequence and biophysical properties (such as structural, functional, and spatial information, amino acid conservation, physicochemical variation, residue mobility, and thermodynamic stability) performed at Invitae indicates that this missense variant is not expected to disrupt MYO15A protein function. In summary, the available evidence is currently insufficient to determine the role of this variant in disease. Therefore, it has been classified as a Variant of Uncertain Significance.

Department of Otolaryngology – Head & Neck Surgery, Cochlear Implant Center
Classification: Uncertain significance for Hearing impairment. Last evaluated: 2021-04-12. Review status: criteria provided, single submitter. Criteria: ClinGen HL ACMG Specifications v1. Collection method: clinical testing. Allele origin: germline. Affected: yes.
Comment: PM2_Moderate, BP4_Supporting

Eurofins Ntd Llc (ga)
Classification: Uncertain significance. Last evaluated: 2017-04-28. Review status: criteria provided, single submitter. Criteria: EGL Classification Definitions 2015. Collection method: clinical testing. Allele origin: germline. Observed: 1 variant allele, 1 heterozygote.